The following is an entry in ClinVar:

ClinVar aggregate classification (germline): Uncertain significance (1 of 4 stars; one submission).

Allele frequency attached by ClinVar (database versions not stated): gnomAD 0.00001; TOPMed below 0.00001.
gnomAD v4.1: 6 of 1,613,312 alleles (0.00037%); highest among the groups gnomAD compares: Non-Finnish European, 0.00042%; no homozygotes.

Submission:

Labcorp Genetics (formerly Invitae), Labcorp
Classification: Uncertain significance. Last evaluated: 2025-11-17. Review status: criteria provided, single submitter. Criteria: Invitae Variant Classification Sherloc (09022015). Collection method: clinical testing. Allele origin: germline.
Comment: This sequence change replaces arginine, which is basic and polar, with cysteine, which is neutral and slightly polar, at codon 331 of the FBLN5 protein (p.Arg331Cys). This variant is not present in population databases (gnomAD no frequency). This variant has not been reported in the literature in individuals affected with FBLN5-related conditions. ClinVar contains an entry for this variant (Variation ID: 2723719). An algorithm developed to predict the effect of missense changes on protein structure and function (PolyPhen-2) suggests that this variant is likely to be tolerated. In summary, the available evidence is currently insufficient to determine the role of this variant in disease. Therefore, it has been classified as a Variant of Uncertain Significance.

NM_006329.4(FBLN5):c.991C>T (p.Arg331Cys)

Gene: FBLN5 (fibulin 5; minus strand). Cytogenetic location: 14q32.12.
Variant type: single nucleotide variant.
Coding change: c.991C>T on transcript NM_006329.4 (MANE Select); coding-DNA position 991, C replaced by T.
Protein change: p.Arg331Cys; replaces arginine 331 with cysteine.
Molecular consequence: missense variant.
Genome position (GRCh38, 1-based): chr14:91,877,681, G>A on the plus strand (C>T on the coding strand, the complement: FBLN5 is on the minus strand). VCF-style: chr14-91877681-G-A. GRCh37 (hg19) VCF-style: chr14-92344025-G-A.
Other names: c.1114C>T, p.Arg372Cys (NM_001384158.1); c.1042C>T, p.Arg348Cys (NM_001384159.1); c.991C>T, p.Arg331Cys (NM_001384160.1); c.823C>T, p.Arg275Cys (NM_001384161.1, NM_001384162.1); short protein forms R275C, R331C, R372C, R348C.
Identifiers: ClinVar variation 2723719 (VCV002723719.3), dbSNP rs1233939636, ClinGen allele CA390641175.